The following is an entry in ClinVar:

NM_005534.4(IFNGR2):c.1007C>T (p.Thr336Met)

Genes: IFNGR2 (interferon gamma receptor 2; plus strand), TMEM50B (transmembrane protein 50B; minus strand). Cytogenetic location: 21q22.11.
Variant type: single nucleotide variant.
Coding change: c.1007C>T on transcript NM_005534.4 (MANE Select); coding-DNA position 1007, C replaced by T.
Protein change: p.Thr336Met; replaces threonine 336 with methionine.
Molecular consequence: missense variant.
Genome position (GRCh38, 1-based): chr21:33,436,955, C>T. VCF-style: chr21-33436955-C-T. GRCh37 (hg19) VCF-style: chr21-34809262-C-T.
Other names: c.1064C>T, p.Thr355Met (NM_001329128.2); short protein forms T355M, T336M.
Identifiers: ClinVar variation 1461026 (VCV001461026.6), dbSNP rs763384272, ClinGen allele CA10007093.

ClinVar aggregate classification (germline): Uncertain significance (1 of 4 stars; one submission).

Conditions:
Immunodeficiency 28 (IMD28). Also called: IFNGR2 DEFICIENCY. Identifiers: Orphanet 319547, Orphanet 319574, MedGen C4013947, MONDO:0013953, OMIM 614889.

Allele frequency attached by ClinVar (database versions not stated): ExAC 0.00012.
gnomAD v4.1: 51 of 1,613,844 alleles (0.0032%); highest among the groups gnomAD compares: African/African-American, 0.004%; no homozygotes.

Submission:

Labcorp Genetics (formerly Invitae), Labcorp
Classification: Uncertain significance for Immunodeficiency 28. Last evaluated: 2023-01-03. Review status: criteria provided, single submitter. Criteria: Invitae Variant Classification Sherloc (09022015). Collection method: clinical testing. Allele origin: germline.
Comment: This variant is present in population databases (rs763384272, gnomAD 0.01%). In summary, the available evidence is currently insufficient to determine the role of this variant in disease. Therefore, it has been classified as a Variant of Uncertain Significance. Algorithms developed to predict the effect of missense changes on protein structure and function output the following: SIFT: "Deleterious"; PolyPhen-2: "Possibly Damaging"; Align-GVGD: "Class C0". The methionine amino acid residue is found in multiple mammalian species, which suggests that this missense change does not adversely affect protein function. ClinVar contains an entry for this variant (Variation ID: 1461026). This variant has not been reported in the literature in individuals affected with IFNGR2-related conditions. This sequence change replaces threonine, which is neutral and polar, with methionine, which is neutral and non-polar, at codon 336 of the IFNGR2 protein (p.Thr336Met).